The following is an entry in ClinVar:

NM_000260.4(MYO7A):c.19G>C (p.Gly7Arg)

Gene: MYO7A (myosin VIIA; plus strand). Cytogenetic location: 11q13.5.
Variant type: single nucleotide variant.
Coding change: c.19G>C on transcript NM_000260.4 (MANE Select); coding-DNA position 19, G replaced by C.
Protein change: p.Gly7Arg; replaces glycine 7 with arginine.
Molecular consequence: missense variant. On other transcripts: 5 prime UTR variant (1).
Genome position (GRCh38, 1-based): chr11:77,142,709, G>C. VCF-style: chr11-77142709-G-C. GRCh37 (hg19) VCF-style: chr11-76853755-G-C.
Other names: c.19G>C (NM_000260.3); c.19G>C, p.Gly7Arg (NM_001127180.2); c.-15G>C (NM_001369365.1); short protein forms G7R.
Identifiers: ClinVar variation 1916542 (VCV001916542.8), dbSNP rs372509310, ClinGen allele CA381947459.

ClinVar aggregate classification (germline): Conflicting classifications of pathogenicity. Review status: criteria provided, conflicting classifications (1 of 4 stars). 3 submissions from 3 submitters: Pathogenic (1); Uncertain significance (2). Last evaluated 2025-04-09.

Conditions:
Inborn genetic diseases. Identifiers: MedGen C0950123, MeSH D030342.

gnomAD v4.1: 3 of 1,608,714 alleles (0.00019%); highest among the groups gnomAD compares: Admixed American, 0.0017%; no homozygotes.

Submissions (3):

Dasa
Classification: Uncertain significance. Last evaluated: 2025-04-09. Review status: criteria provided, single submitter. Criteria: DASA Assertion Criteria. Collection method: clinical testing. Allele origin: germline.
Comment: NM_000260.4(MYO7A):c.19G>C (p.Gly7Arg) is a missense variant that results in the substitution of glycine with arginine. The affected residue or protein region has prior evidence supporting clinical relevance. This variant is rare in population databases. Computational prediction algorithms are consistent with a deleterious effect. The currently available literature and clinical evidence are not sufficient to establish a definitive association between this variant and the reported condition. Therefore, this variant is classified as a variant of uncertain significance.

Labcorp Genetics (formerly Invitae), Labcorp
Classification: Pathogenic. Last evaluated: 2023-12-16. Review status: criteria provided, single submitter. Criteria: Invitae Variant Classification Sherloc (09022015). Collection method: clinical testing. Allele origin: germline.
Comment: This sequence change replaces glycine, which is neutral and non-polar, with arginine, which is basic and polar, at codon 7 of the MYO7A protein (p.Gly7Arg). This variant is present in population databases (no rsID available, gnomAD 0.0009%). A different variant (c.19G>A) giving rise to the same protein effect has been determined to be pathogenic (Invitae). This suggests that this variant is also likely to be causative of disease. ClinVar contains an entry for this variant (Variation ID: 1916542). An algorithm developed to predict the effect of missense changes on protein structure and function (PolyPhen-2) suggests that this variant is likely to be disruptive. This variant disrupts the p.Gly7 amino acid residue in MYO7A. Other variant(s) that disrupt this residue have been determined to be pathogenic (PMID: 30303587). This suggests that this residue is clinically significant, and that variants that disrupt this residue are likely to be disease-causing. For these reasons, this variant has been classified as Pathogenic.

Ambry Genetics
Classification: Uncertain significance for Inborn genetic diseases. Last evaluated: 2023-12-06. Review status: criteria provided, single submitter. Criteria: Ambry Variant Classification Scheme 2023. Collection method: clinical testing. Allele origin: germline.
Comment: The c.19G>C (p.G7R) alteration is located in exon 3 (coding exon 2) of the MYO7A gene. This alteration results from a G to C substitution at nucleotide position 19, causing the glycine (G) at amino acid position 7 to be replaced by an arginine (R). Based on data from gnomAD, the C allele has an overall frequency of <0.001% (1/240372) total alleles studied. The highest observed frequency was 0.001% (1/109052) of European (non-Finnish) alleles. Another alteration at the same codon, c.20G>T (p.G7V), has been described in one family with hearing loss (Richard, 2019). Additionally, an alteration at the same nucleotide position, c.19G>A (p.G7R), has been reported in an individual with retinal disease (Roberts, 2016). This amino acid position is highly conserved in available vertebrate species. This alteration is predicted to be deleterious by in silico analysis. Based on insufficient or conflicting evidence, the clinical significance of this alteration remains unclear.

Literature cited by the submitters: PubMed 30303587 (cited by Labcorp Genetics (formerly Invitae), Labcorp and Ambry Genetics); PubMed 27898983 (cited by Ambry Genetics).